The following is an entry in ClinVar:

ClinVar aggregate classification (germline): Uncertain significance. Review status: criteria provided, multiple submitters, no conflicts (2 of 4 stars). 3 submissions from 3 submitters: Uncertain significance (2). 1 of the submissions does not count toward it. Last evaluated 2024-11-11.

Conditions:
Bardet-Biedl syndrome (BBS). Identifiers: Orphanet 110, MedGen C0752166, MONDO:0015229.
Inborn genetic diseases. Identifiers: MedGen C0950123, MeSH D030342.
Bardet-Biedl syndrome 2 (BBS2). Identifiers: Orphanet 110, MedGen C2936863, MONDO:0014432, OMIM 615981.

Allele frequency attached by ClinVar (database versions not stated): gnomAD exomes below 0.00001 and 0.00001; TOPMed below 0.00001; gnomAD 0.00001.
gnomAD v4.1: 16 of 1,614,018 alleles (0.00099%); highest among the groups gnomAD compares: Non-Finnish European, 0.0014%; no homozygotes.

Submissions (3):

Labcorp Genetics (formerly Invitae), Labcorp
Classification: Uncertain significance for Bardet-Biedl syndrome. Last evaluated: 2024-11-11. Review status: criteria provided, single submitter. Criteria: Invitae Variant Classification Sherloc (09022015). Collection method: clinical testing. Allele origin: germline.
Comment: This sequence change replaces serine, which is neutral and polar, with arginine, which is basic and polar, at codon 53 of the BBS2 protein (p.Ser53Arg). This variant is present in population databases (no rsID available, gnomAD 0.0009%). This variant has not been reported in the literature in individuals affected with BBS2-related conditions. ClinVar contains an entry for this variant (Variation ID: 853928). Invitae Evidence Modeling of protein sequence and biophysical properties (such as structural, functional, and spatial information, amino acid conservation, physicochemical variation, residue mobility, and thermodynamic stability) indicates that this missense variant is not expected to disrupt BBS2 protein function with a negative predictive value of 80%. In summary, the available evidence is currently insufficient to determine the role of this variant in disease. Therefore, it has been classified as a Variant of Uncertain Significance.

Ambry Genetics
Classification: Uncertain significance for Inborn genetic diseases. Last evaluated: 2022-10-06. Review status: criteria provided, single submitter. Criteria: Ambry Variant Classification Scheme 2023. Collection method: clinical testing. Allele origin: germline.

Natera, Inc.
Classification: Uncertain significance for Bardet-Biedl syndrome type 2. Last evaluated: 2020-01-17. Review status: no assertion criteria provided. Collection method: clinical testing. Allele origin: germline. Not counted in ClinVar's aggregate classification.

NM_031885.5(BBS2):c.159T>G (p.Ser53Arg)

Gene: BBS2 (Bardet-Biedl syndrome 2; minus strand). Cytogenetic location: 16q13.
Variant type: single nucleotide variant.
Coding change: c.159T>G on transcript NM_031885.5 (MANE Select); coding-DNA position 159, T replaced by G.
Protein change: p.Ser53Arg; replaces serine 53 with arginine.
Molecular consequence: missense variant. On other transcripts: non-coding transcript variant (5).
Genome position (GRCh38, 1-based): chr16:56,514,639, A>C on the plus strand (T>G on the coding strand, the complement: BBS2 is on the minus strand). VCF-style: chr16-56514639-A-C. GRCh37 (hg19) VCF-style: chr16-56548551-A-C.
Other names: c.159T>G, p.Ser53Arg (NM_001377456.1); short protein forms S53R.
Identifiers: ClinVar variation 853928 (VCV000853928.9), dbSNP rs1250423040, ClinGen allele CA395986254.